The following is an entry in ClinVar:

NM_004640.7(DDX39B):c.1120C>T (p.Arg374Trp)

Genes: ATP6V1G2-DDX39B (ATP6V1G2-DDX39B readthrough (NMD candidate); minus strand), DDX39B (DExD-box helicase 39B; minus strand). Cytogenetic location: 6p21.33.
Variant type: single nucleotide variant.
Coding change: c.1120C>T on transcript NM_004640.7 (MANE Select); coding-DNA position 1120, C replaced by T.
Protein change: p.Arg374Trp; replaces arginine 374 with tryptophan.
Molecular consequence: missense variant. On other transcripts: non-coding transcript variant (2).
Genome position (GRCh38, 1-based): chr6:31,531,055, G>A on the plus strand (C>T on the coding strand, the complement: DDX39B is on the minus strand). VCF-style: chr6-31531055-G-A. GRCh37 (hg19) VCF-style: chr6-31498832-G-A.
Other names: c.1120C>T, p.Arg374Trp (NM_080598.6); short protein forms R374W.
Identifiers: ClinVar variation 3893419 (VCV003893419.2).

ClinVar aggregate classification (germline): Likely pathogenic (1 of 4 stars; one submission).

Submission:

GeneDx
Classification: Likely pathogenic. Last evaluated: 2025-11-13. Review status: criteria provided, single submitter. Criteria: GeneDx Variant Classification Process June 2021. Collection method: clinical testing. Allele origin: germline.
Comment: Not observed at significant frequency in large population cohorts (gnomAD); In silico analysis supports that this missense variant has a deleterious effect on protein structure/function; Has not been previously published as pathogenic or benign to our knowledge